The following is an entry in ClinVar:

ClinVar aggregate classification (germline): Uncertain significance. Review status: criteria provided, single submitter (1 of 4 stars). 2 submissions from 2 submitters: Uncertain significance (1). 1 of the submissions does not count toward it. Last evaluated 2026-01-14.

Conditions:
Frontotemporal dementia and/or amyotrophic lateral sclerosis 7 (FTDALS7). Also called: CHMP2B-related frontotemporal dementia; AMYOTROPHIC LATERAL SCLEROSIS, CHMP2B-RELATED; Amyotrophic lateral sclerosis 17; CHMP2B-Related Frontotemporal Dementia-Amyotrophic Lateral Sclerosis. Identifiers: Orphanet 275864, Orphanet 282, Orphanet 803, MedGen C1833296, MONDO:0010936, OMIM 600795.
CHMP2B-related disorder. Also called: CHMP2B-related condition.

gnomAD v4.1: 25 of 1,613,724 alleles (0.0015%); highest among the groups gnomAD compares: African/African-American, 0.032%; no homozygotes.

Submissions (2):

Labcorp Genetics (formerly Invitae), Labcorp
Classification: Uncertain significance for Frontotemporal dementia and/or amyotrophic lateral sclerosis 7. Last evaluated: 2026-01-14. Review status: criteria provided, single submitter. Criteria: Invitae Variant Classification Sherloc (09022015). Collection method: clinical testing. Allele origin: germline.
Comment: This sequence change replaces glutamine, which is neutral and polar, with histidine, which is basic and polar, at codon 71 of the CHMP2B protein (p.Gln71His). This variant is present in population databases (rs139126268, gnomAD 0.02%). This variant has not been reported in the literature in individuals affected with CHMP2B-related conditions. ClinVar contains an entry for this variant (Variation ID: 3358842). An algorithm developed to predict the effect of missense changes on protein structure and function (PolyPhen-2) suggests that this variant is likely to be disruptive. In summary, the available evidence is currently insufficient to determine the role of this variant in disease. Therefore, it has been classified as a Variant of Uncertain Significance.

PreventionGenetics, part of Exact Sciences
Classification: Uncertain significance for CHMP2B-related condition. Last evaluated: 2024-06-08. Review status: no assertion criteria provided. Collection method: clinical testing. Allele origin: germline. Not counted in ClinVar's aggregate classification.
Comment: The CHMP2B c.213G>C variant is predicted to result in the amino acid substitution p.Gln71His. To our knowledge, this variant has not been reported in the literature. This variant is reported in 0.020% of alleles in individuals of African descent in gnomAD. At this time, the clinical significance of this variant is uncertain due to the absence of conclusive functional and genetic evidence.

NM_014043.4(CHMP2B):c.213G>C (p.Gln71His)

Gene: CHMP2B (charged multivesicular body protein 2B; plus strand). Cytogenetic location: 3p11.2.
Variant type: single nucleotide variant.
Coding change: c.213G>C on transcript NM_014043.4 (MANE Select); coding-DNA position 213, G replaced by C.
Protein change: p.Gln71His; replaces glutamine 71 with histidine.
Molecular consequence: missense variant.
Genome position (GRCh38, 1-based): chr3:87,245,800, G>C. VCF-style: chr3-87245800-G-C. GRCh37 (hg19) VCF-style: chr3-87294950-G-C.
Other names: c.90G>C, p.Gln30His (NM_001244644.2); c.309G>C, p.Gln103His (NM_001410777.1); short protein forms Q103H, Q30H, Q71H.
Identifiers: ClinVar variation 3358842 (VCV003358842.2).